The following is an entry in ClinVar:

NM_213599.3(ANO5):c.2461C>T (p.His821Tyr)

Gene: ANO5 (anoctamin 5; plus strand). Cytogenetic location: 11p14.3.
Variant type: single nucleotide variant.
Coding change: c.2461C>T on transcript NM_213599.3 (MANE Select); coding-DNA position 2461, C replaced by T.
Protein change: p.His821Tyr; replaces histidine 821 with tyrosine.
Molecular consequence: missense variant.
Genome position (GRCh38, 1-based): chr11:22,276,140, C>T. VCF-style: chr11-22276140-C-T. GRCh37 (hg19) VCF-style: chr11-22297686-C-T.
Other names: c.2458C>T, p.His820Tyr (NM_001142649.2); c.2419C>T, p.His807Tyr (NM_001410963.1); c.2416C>T, p.His806Tyr (NM_001410964.1); short protein forms H820Y, H821Y, H806Y, H807Y.
Identifiers: ClinVar variation 1962102 (VCV001962102.5), dbSNP rs2494393696, ClinGen allele CA379924598.

ClinVar aggregate classification (germline): Uncertain significance (1 of 4 stars; one submission).

Conditions:
Gnathodiaphyseal dysplasia (GDD). Also called: GNATHODIAPHYSEAL SCLEROSIS; OSTEOGENESIS IMPERFECTA WITH UNUSUAL SKELETAL LESIONS. Identifiers: Orphanet 53697, MedGen C1833736, MONDO:0008151, OMIM 166260.
Autosomal recessive limb-girdle muscular dystrophy type 2L (LGMDR12). Also called: Limb-Girdle Muscular Dystrophy R12 Anoctamin-5-Related (LGMD-R12); MUSCULAR DYSTROPHY, LIMB-GIRDLE, AUTOSOMAL RECESSIVE 12; Limb-girdle muscular dystrophy, type 2L. Identifiers: Orphanet 206549, MedGen C1969785, MONDO:0012652, OMIM 611307.

Submission:

Labcorp Genetics (formerly Invitae), Labcorp
Classification: Uncertain significance for Autosomal recessive limb-girdle muscular dystrophy type 2L; Gnathodiaphyseal dysplasia. Last evaluated: 2022-04-15. Review status: criteria provided, single submitter. Criteria: Invitae Variant Classification Sherloc (09022015). Collection method: clinical testing. Allele origin: germline.
Comment: In summary, the available evidence is currently insufficient to determine the role of this variant in disease. Therefore, it has been classified as a Variant of Uncertain Significance. Algorithms developed to predict the effect of missense changes on protein structure and function are either unavailable or do not agree on the potential impact of this missense change (SIFT: "Tolerated"; PolyPhen-2: "Possibly Damaging"; Align-GVGD: "Class C0"). This variant has not been reported in the literature in individuals affected with ANO5-related conditions. This variant is not present in population databases (gnomAD no frequency). This sequence change replaces histidine, which is basic and polar, with tyrosine, which is neutral and polar, at codon 821 of the ANO5 protein (p.His821Tyr).